The following is an entry in ClinVar:

NM_000642.3(AGL):c.4506_4510del (p.Glu1502fs)

Gene: AGL (amylo-alpha-1,6-glucosidase and 4-alpha-glucanotransferase; plus strand). Cytogenetic location: 1p21.2.
Variant type: Deletion.
Coding change: c.4506_4510del on transcript NM_000642.3 (MANE Select); coding-DNA positions 4506 to 4510, 5 bases deleted (ACTGA; older notation c.4506_4510delACTGA).
Protein change: p.Glu1502fs; shifts the reading frame from glutamic acid 1502.
Molecular consequence: frameshift variant.
Genome position (GRCh38, 1-based): chr1:99,921,558-99,921,562, ACTGA deleted; deleting any 5 consecutive bases within chr1:99,921,556-99,921,562 gives the same sequence; the c. name uses the placement nearest the transcript's 3' end. VCF-style (leftmost placement, unchanged base first): chr1-99921555-AGAACT-A. GRCh37 (hg19) VCF-style: chr1-100387111-AGAACT-A.
Other names: c.4506_4510delACTGA, p.Glu1502Aspfs (NM_000028.3, NM_000643.3, NM_000644.3 and 1 more transcripts); c.4458_4462delACTGA, p.Glu1486Aspfs (NM_000646.3); c.4485_4489delACTGA, p.Glu1495Aspfs (NM_001425326.1); c.4305_4309delACTGA, p.Glu1435Aspfs (NM_001425327.1); c.4302_4306delACTGA, p.Glu1434Aspfs (NM_001425328.1); c.4167_4171delACTGA, p.Glu1389Aspfs (NM_001425329.1); c.4128_4132delACTGA, p.Glu1376Aspfs (NM_001425332.1); short protein forms E1486fs, E1502fs.
Identifiers: ClinVar variation 422357 (VCV000422357.5), dbSNP rs1064795728, ClinGen allele CA16617221.

ClinVar aggregate classification (germline): Pathogenic/Likely pathogenic. Review status: criteria provided, multiple submitters, no conflicts (2 of 4 stars). 2 submissions from 2 submitters: Pathogenic (1); Likely pathogenic (1). Last evaluated 2022-11-02.

Conditions:
Glycogen storage disease type III (GSD3). Also called: Cori disease; FORBES DISEASE. Identifiers: Orphanet 366, MedGen C0017922, MONDO:0009291, OMIM 232400.

Submissions (2):

Labcorp Genetics (formerly Invitae), Labcorp
Classification: Pathogenic for Glycogen storage disease type III. Last evaluated: 2022-11-02. Review status: criteria provided, single submitter. Criteria: Invitae Variant Classification Sherloc (09022015). Collection method: clinical testing. Allele origin: germline.
Comment: ClinVar contains an entry for this variant (Variation ID: 422357). This variant disrupts a region of the AGL protein in which other variant(s) (p.Tyr1510*) have been determined to be pathogenic (PMID: 8990006, 20071996, 20490926, 23430490). This suggests that this is a clinically significant region of the protein, and that variants that disrupt it are likely to be disease-causing. For these reasons, this variant has been classified as Pathogenic. This variant has not been reported in the literature in individuals affected with AGL-related conditions. This sequence change creates a premature translational stop signal (p.Glu1502Aspfs*3) in the AGL gene. While this is not anticipated to result in nonsense mediated decay, it is expected to disrupt the last 31 amino acid(s) of the AGL protein. This variant is not present in population databases (gnomAD no frequency).

GeneDx
Classification: Likely pathogenic. Last evaluated: 2016-10-10. Review status: criteria provided, single submitter. Criteria: GeneDx Variant Classification (06012015). Collection method: clinical testing. Allele origin: germline. Affected: yes.
Comment: The c.4506_4510delACTGA variant in the AGL gene has not been reported previously as a pathogenic variant nor as a benign variant, to our knowledge. This variant causes a frameshift starting with codon Glutamic Acid 1502, changes this amino acid to an Aspartic Acid residue, and creates a premature Stop codon at position 3 of the new reading frame, denoted p.Glu1502AspfsX3. This variant is predicted to cause loss of normal protein function through protein truncation, as the last 31 amino acids of the protein are replaced with 2 incorrect amino acids. The c.4506_4510delACTGA variant was not observed in approximately 6500 individuals of European and African American ancestry in the NHLBI Exome Sequencing Project, indicating it is not a common benign variant in these populations. The c.4506_4510delACTGA variant is a strong candidate for a pathogenic variant, however the possibility it may be a rare benign variant cannot be excluded.

Literature cited by the submitters: PubMed 8990006 (cited by Labcorp Genetics (formerly Invitae), Labcorp); PubMed 20071996 (cited by Labcorp Genetics (formerly Invitae), Labcorp); PubMed 20490926 (cited by Labcorp Genetics (formerly Invitae), Labcorp); PubMed 23430490 (cited by Labcorp Genetics (formerly Invitae), Labcorp).